The following is an entry in ClinVar:

NM_000264.5(PTCH1):c.2493T>A (p.Tyr831Ter)

Genes: PTCH1 (patched 1; minus strand), LOC100507346 (uncharacterized LOC100507346; plus strand). Cytogenetic location: 9q22.32.
Variant type: single nucleotide variant.
Coding change: c.2493T>A on transcript NM_000264.5 (MANE Select); coding-DNA position 2493, T replaced by A.
Protein change: p.Tyr831Ter; replaces tyrosine 831 with a stop codon.
Molecular consequence: nonsense. On other transcripts: non-coding transcript variant (2).
Genome position (GRCh38, 1-based): chr9:95,467,183, A>T on the plus strand (T>A on the coding strand, the complement: PTCH1 is on the minus strand). VCF-style: chr9-95467183-A-T. GRCh37 (hg19) VCF-style: chr9-98229465-A-T.
Other names: c.2295T>A, p.Tyr765Ter (NM_001083602.3); c.2490T>A, p.Tyr830Ter (NM_001083603.3); c.2040T>A, p.Tyr680Ter (NM_001083604.3, NM_001083605.3, NM_001083606.3 and 1 more transcripts); c.2337T>A, p.Tyr779Ter (NM_001354918.2); short protein forms Y680*, Y765*, Y779*, Y830*, Y831*.
Identifiers: ClinVar variation 1073589 (VCV001073589.7), dbSNP rs2117951765, ClinGen allele CA374113938.

ClinVar aggregate classification (germline): Pathogenic (1 of 4 stars; one submission).

Conditions:
Gorlin syndrome. Also called: Basal cell nevus syndrome; Nevoid Basal Cell Carcinoma Syndrome. Identifiers: Orphanet 377, MedGen C0004779, MONDO:0007187.

Submission:

Labcorp Genetics (formerly Invitae), Labcorp
Classification: Pathogenic for Gorlin syndrome. Last evaluated: 2020-10-10. Review status: criteria provided, single submitter. Criteria: Invitae Variant Classification Sherloc (09022015). Collection method: clinical testing. Allele origin: germline.
Comment: This variant has not been reported in the literature in individuals with PTCH1-related conditions. This variant is not present in population databases (ExAC no frequency). This sequence change creates a premature translational stop signal (p.Tyr831*) in the PTCH1 gene. It is expected to result in an absent or disrupted protein product. Algorithms developed to predict the effect of sequence changes on RNA splicing suggest that this variant may create or strengthen a splice site, but this prediction has not been confirmed by published transcriptional studies. For these reasons, this variant has been classified as Pathogenic. Loss-of-function variants in PTCH1 are known to be pathogenic (PMID: 16301862, 16419085).

Literature cited by the submitters: PubMed 16301862; PubMed 16419085.